The following is an entry in ClinVar:

NM_019109.5(ALG1):c.1342C>T (p.Arg448Ter)

Genes: ALG1 (ALG1 chitobiosyldiphosphodolichol beta-mannosyltransferase; plus strand), EEF2KMT (eukaryotic elongation factor 2 lysine methyltransferase; minus strand). Cytogenetic location: 16p13.3.
Variant type: single nucleotide variant.
Coding change: c.1342C>T on transcript NM_019109.5 (MANE Select); coding-DNA position 1342, C replaced by T.
Protein change: p.Arg448Ter; replaces arginine 448 with a stop codon.
Molecular consequence: nonsense. On other transcripts: 3 prime UTR variant (3).
Genome position (GRCh38, 1-based): chr16:5,084,828, C>T. VCF-style: chr16-5084828-C-T. GRCh37 (hg19) VCF-style: chr16-5134829-C-T.
Other names: c.*804G>A (NM_001289029.2, NM_201400.4, NM_201598.4); c.1009C>T, p.Arg337Ter (NM_001330504.2); short protein forms R337*.
Identifiers: ClinVar variation 382581 (VCV000382581.16), dbSNP rs1047747, ClinGen allele CA7890343.

ClinVar aggregate classification (germline): Conflicting classifications of pathogenicity. Review status: criteria provided, conflicting classifications (1 of 4 stars). 4 submissions from 4 submitters: Likely pathogenic (2); Uncertain significance (2). Last evaluated 2026-04-13.

Conditions:
ALG1-congenital disorder of glycosylation. Also called: ALG1-CDG; CDG Ik; CONGENITAL DISORDER OF GLYCOSYLATION, TYPE Ik. Identifiers: Orphanet 79327, MedGen C2931005, MONDO:0012052, OMIM 608540.

Allele frequency attached by ClinVar (database versions not stated): ExAC 0.00030; gnomAD 0.00001; TOPMed 0.00002; gnomAD exomes 0.00005.
gnomAD v4.1: 73 of 1,595,048 alleles (0.0046%); highest among the groups gnomAD compares: East Asian, 0.027%; no homozygotes.

Submissions (4):

Women's Health and Genetics/Laboratory Corporation of America, LabCorp
Classification: Uncertain significance. Last evaluated: 2026-04-13. Review status: criteria provided, single submitter. Criteria: LabCorp Variant Classification Summary - May 2015. Collection method: clinical testing. Allele origin: germline.
Comment: Variant summary: ALG1 c.1342C>T (p.Arg448X) results in a premature termination codon in the last exon, however, nonsense mediated decay is not expected to occur. The variant allele was found at a frequency of 4.6e-05 in 1595048 control chromosomes. c.1342C>T has been observed in the presumed compound heterozygous state in at least 3 individual(s) affected with clinical features of ALG1-congenital disorder of glycosylation (Lam_2024, internal data), including at least 1 family where it segregated with disease. These data indicate that the variant may be associated with disease. To our knowledge, no experimental evidence demonstrating an impact on protein function has been reported. The following publication has been ascertained in the context of this evaluation (PMID: 38959600). ClinVar contains an entry for this variant (Variation ID: 382581). Based on the evidence outlined above, the variant was classified as VUS-possibly pathogenic.

Labcorp Genetics (formerly Invitae), Labcorp
Classification: Likely pathogenic for ALG1-congenital disorder of glycosylation. Last evaluated: 2026-01-28. Review status: criteria provided, single submitter. Criteria: Invitae Variant Classification Sherloc (09022015). Collection method: clinical testing. Allele origin: germline.
Comment: This sequence change creates a premature translational stop signal (p.Arg448*) in the ALG1 gene. While this is not anticipated to result in nonsense mediated decay, it is expected to disrupt the last 17 amino acid(s) of the ALG1 protein. The frequency data for this variant in the population databases is considered unreliable, as metrics indicate poor data quality at this position in the gnomAD database. This premature translational stop signal has been observed in individual(s) with congenital disorder of glycosylation (external communication, internal data). In at least one individual the data is consistent with being in trans (on the opposite chromosome) from a pathogenic variant. It has also been observed to segregate with disease in related individuals. ClinVar contains an entry for this variant (Variation ID: 382581). In summary, the currently available evidence indicates that the variant is pathogenic, but additional data are needed to prove that conclusively. Therefore, this variant has been classified as Likely Pathogenic.

GeneDx
Classification: Likely pathogenic. Last evaluated: 2025-08-25. Review status: criteria provided, single submitter. Criteria: GeneDx Variant Classification Process June 2021. Collection method: clinical testing. Allele origin: germline. Affected: yes.
Comment: Nonsense variant predicted to result in protein truncation as the last 17 amino acid(s) are lost; Not observed at significant frequency in large population cohorts (gnomAD); Has not been previously published as pathogenic or benign to our knowledge; This variant is associated with the following publications: (PMID: 31589614)

Juno Genomics, Hangzhou Juno Genomics, Inc
Classification: Uncertain significance for ALG1-congenital disorder of glycosylation. Review status: criteria provided, single submitter. Criteria: ACMG Guidelines, 2015. Collection method: clinical testing. Allele origin: germline.
Comment: Null variant in a gene where loss of function (LOF) is a known mechanism of disease.;Absent from controls (or at extremely low frequency if recessive) in Genome Aggregation Database.

Literature cited by the submitters: PubMed 38959600 (cited by Women's Health and Genetics/Laboratory Corporation of America, LabCorp).